The following is an entry in ClinVar:

ClinVar aggregate classification (germline): Uncertain significance (1 of 4 stars; one submission).

Conditions:
Fanconi anemia (FA). Also called: Fanconi's anemia. Identifiers: Orphanet 84, MedGen C0015625, MeSH D005199, MONDO:0019391.

Allele frequency attached by ClinVar (database versions not stated): TOPMed below 0.00001; gnomAD 0.00001; gnomAD exomes 0.00001.

Submission:

Labcorp Genetics (formerly Invitae), Labcorp
Classification: Uncertain significance for Fanconi anemia. Last evaluated: 2021-08-28. Review status: criteria provided, single submitter. Criteria: Invitae Variant Classification Sherloc (09022015). Collection method: clinical testing. Allele origin: germline.
Comment: This sequence change replaces methionine with isoleucine at codon 1077 of the FANCA protein (p.Met1077Ile). The methionine residue is weakly conserved and there is a small physicochemical difference between methionine and isoleucine. This variant is not present in population databases (ExAC no frequency). This variant has not been reported in the literature in individuals affected with FANCA-related conditions. Algorithms developed to predict the effect of missense changes on protein structure and function output the following: SIFT: "Tolerated"; PolyPhen-2: "Benign"; Align-GVGD: "Class C0". The isoleucine amino acid residue is found in multiple mammalian species, which suggests that this missense change does not adversely affect protein function. In summary, the available evidence is currently insufficient to determine the role of this variant in disease. Therefore, it has been classified as a Variant of Uncertain Significance.

NM_000135.4(FANCA):c.3231G>A (p.Met1077Ile)

Gene: FANCA (FA complementation group A; minus strand). Cytogenetic location: 16q24.3.
Variant type: single nucleotide variant.
Coding change: c.3231G>A on transcript NM_000135.4 (MANE Select); coding-DNA position 3231, G replaced by A.
Protein change: p.Met1077Ile; replaces methionine 1077 with isoleucine.
Molecular consequence: missense variant.
Genome position (GRCh38, 1-based): chr16:89,749,738, C>T on the plus strand (G>A on the coding strand, the complement: FANCA is on the minus strand). VCF-style: chr16-89749738-C-T. GRCh37 (hg19) VCF-style: chr16-89816146-C-T.
Other names: c.3231G>A, p.Met1077Ile (NM_001286167.3); short protein forms M1077I.
Identifiers: ClinVar variation 964486 (VCV000964486.7), dbSNP rs2038515231, ClinGen allele CA397486436.